The following is an entry in ClinVar:

NM_002734.5(PRKAR1A):c.1028G>A (p.Gly343Asp)

Gene: PRKAR1A (protein kinase cAMP-dependent type I regulatory subunit alpha; plus strand). Cytogenetic location: 17q24.2.
Variant type: single nucleotide variant.
Coding change: c.1028G>A on transcript NM_002734.5 (MANE Select); coding-DNA position 1028, G replaced by A.
Protein change: p.Gly343Asp; replaces glycine 343 with aspartic acid.
Molecular consequence: missense variant. On other transcripts: intron variant (1).
Genome position (GRCh38, 1-based): chr17:68,530,331, G>A. VCF-style: chr17-68530331-G-A. GRCh37 (hg19) VCF-style: chr17-66526472-G-A.
Other names: c.1028G>A, p.Gly343Asp (NM_001276289.2, NM_001278433.2, NM_001369389.1 and 3 more transcripts); c.973+330G>A (NM_001276290.1); short protein forms G343D.
Identifiers: ClinVar variation 2562682 (VCV002562682.2), dbSNP rs2143390461, ClinGen allele CA400754578.

ClinVar aggregate classification (germline): Uncertain significance (1 of 4 stars; one submission).

Conditions:
Hereditary cancer-predisposing syndrome. Also called: Neoplastic Syndromes, Hereditary; Hereditary Cancer Syndrome; Hereditary neoplastic syndrome; Tumor predisposition. Identifiers: Orphanet 140162, MedGen C0027672, MeSH D009386, MONDO:0015356.

Submission:

Ambry Genetics
Classification: Uncertain significance for Hereditary cancer-predisposing syndrome. Last evaluated: 2023-04-01. Review status: criteria provided, single submitter. Criteria: Ambry Variant Classification Scheme 2023. Collection method: clinical testing. Allele origin: germline.
Comment: The p.G343D variant (also known as c.1028G>A), located in coding exon 10 of the PRKAR1A gene, results from a G to A substitution at nucleotide position 1028. The glycine at codon 343 is replaced by aspartic acid, an amino acid with similar properties. This amino acid position is conserved. In addition, this alteration is predicted to be deleterious by in silico analysis. Since supporting evidence is limited at this time, the clinical significance of this alteration remains unclear.